The following is an entry in ClinVar:

NM_001482.3(GATM):c.378A>T (p.Glu126Asp)

Gene: GATM (glycine amidinotransferase; minus strand). Cytogenetic location: 15q21.1.
Variant type: single nucleotide variant.
Coding change: c.378A>T on transcript NM_001482.3 (MANE Select); coding-DNA position 378, A replaced by T.
Protein change: p.Glu126Asp; replaces glutamic acid 126 with aspartic acid.
Molecular consequence: missense variant. On other transcripts: 5 prime UTR variant (1).
Genome position (GRCh38, 1-based): chr15:45,369,432, T>A on the plus strand (A>T on the coding strand, the complement: GATM is on the minus strand). VCF-style: chr15-45369432-T-A. GRCh37 (hg19) VCF-style: chr15-45661630-T-A.
Other names: c.378A>T (NM_001482.2); c.-10A>T (NM_001321015.2); short protein forms E126D.
Identifiers: ClinVar variation 1388303 (VCV001388303.10), dbSNP rs1889503051, ClinGen allele CA392261869.

ClinVar aggregate classification (germline): Uncertain significance. Review status: criteria provided, multiple submitters, no conflicts (2 of 4 stars). 3 submissions from 3 submitters: Uncertain significance (3). Last evaluated 2025-01-01.

Conditions:
Arginine:glycine amidinotransferase deficiency (CCDS3). Also called: L-Arginine:Glycine Amidinotransferase (AGAT) Deficiency; Cerebral creatine deficiency syndrome 3; AGAT deficiency; L-Arginine:Glycine Amidinotransferase Deficiency; Creatine deficiency syndrome due to AGAT deficiency; GATM deficiency. Identifiers: Orphanet 35704, MedGen C2675179, MONDO:0012996, OMIM 612718.
Fanconi renotubular syndrome 1. Also called: Toni-Debre-Fanconi syndrome; Neonatal De Toni-Debre-Fanconi syndrome; De Toni-Fanconi syndrome; LUDER-SHELDON SYNDROME; FRTS1. Identifiers: MedGen C4551503, MONDO:0024525, OMIM 134600.
Inborn genetic diseases. Identifiers: MedGen C0950123, MeSH D030342.

Allele frequency attached by ClinVar (database versions not stated): TOPMed below 0.00001.

Submissions (3):

Ambry Genetics
Classification: Uncertain significance for Inborn genetic diseases. Last evaluated: 2025-01-01. Review status: criteria provided, single submitter. Criteria: Ambry Variant Classification Scheme 2023. Collection method: clinical testing. Allele origin: germline.

Fulgent Genetics
Classification: Uncertain significance for Fanconi renotubular syndrome 1; Arginine:glycine amidinotransferase deficiency. Last evaluated: 2024-04-22. Review status: criteria provided, single submitter. Criteria: ACMG Guidelines, 2015. Collection method: clinical testing. Allele origin: germline.

Labcorp Genetics (formerly Invitae), Labcorp
Classification: Uncertain significance for Arginine:glycine amidinotransferase deficiency. Last evaluated: 2023-11-07. Review status: criteria provided, single submitter. Criteria: Invitae Variant Classification Sherloc (09022015). Collection method: clinical testing. Allele origin: germline.
Comment: This sequence change replaces glutamic acid, which is acidic and polar, with aspartic acid, which is acidic and polar, at codon 126 of the GATM protein (p.Glu126Asp). This variant is not present in population databases (gnomAD no frequency). This variant has not been reported in the literature in individuals affected with GATM-related conditions. ClinVar contains an entry for this variant (Variation ID: 1388303). Advanced modeling of protein sequence and biophysical properties (such as structural, functional, and spatial information, amino acid conservation, physicochemical variation, residue mobility, and thermodynamic stability) performed at Invitae indicates that this missense variant is not expected to disrupt GATM protein function with a negative predictive value of 80%. In summary, the available evidence is currently insufficient to determine the role of this variant in disease. Therefore, it has been classified as a Variant of Uncertain Significance.